The following is an entry in ClinVar:

ClinVar aggregate classification (germline): Uncertain significance (1 of 4 stars; one submission).

Submission:

GeneDx
Classification: Uncertain significance. Last evaluated: 2026-04-09. Review status: criteria provided, single submitter. Criteria: GeneDx Variant Classification Process June 2021. Collection method: clinical testing. Allele origin: germline.
Comment: Not observed at significant frequency in large population cohorts (gnomAD); In silico analysis supports that this missense variant has a deleterious effect on protein structure/function; Has not been previously published as pathogenic or benign to our knowledge

NM_001297595.2(SIN3B):c.1294C>T (p.Pro432Ser)

Gene: SIN3B (SIN3 transcription regulator family member B; plus strand). Cytogenetic location: 19p13.11.
Variant type: single nucleotide variant.
Coding change: c.1294C>T on transcript NM_001297595.2 (MANE Select); coding-DNA position 1294, C replaced by T.
Protein change: p.Pro432Ser; replaces proline 432 with serine.
Molecular consequence: missense variant.
Genome position (GRCh38, 1-based): chr19:16,863,707, C>T. VCF-style: chr19-16863707-C-T. GRCh37 (hg19) VCF-style: chr19-16974518-C-T.
Other names: c.64C>T, p.Pro22Ser (NM_001297597.2); c.1390C>T, p.Pro464Ser (NM_015260.4); short protein forms P22S, P432S, P464S.
Identifiers: ClinVar variation 5037015 (VCV005037015.1).
Genomic context (GRCh38, chr19:16,863,707, plus strand): 5'-CAGCGTCATTCACGGCATTTCCTCTTGGTGCAGGTACTGAACGACACCTGGGTCTCCTTC[C>T]CTTCCTGGTCTGAGGACTCCACGTTCGTCAGCTCCAAGAAGACACCGTACGAGGAGCAGC-3'
Protein context (NP_001284524.1, residues 422-442): EVLNDTWVSF[Pro432Ser]SWSEDSTFVS